The following is an entry in ClinVar:

ClinVar aggregate classification (germline): Uncertain significance (1 of 4 stars; one submission).

Conditions:
Familial meningioma. Also called: Meningioma, familial, susceptibility to. Identifiers: Orphanet 263662, MedGen C3551915, MONDO:0011789, OMIM 607174.

Submission:

Labcorp Genetics (formerly Invitae), Labcorp
Classification: Uncertain significance for Hereditary Meningioma. Last evaluated: 2018-12-07. Review status: criteria provided, single submitter. Criteria: Invitae Variant Classification Sherloc (09022015). Collection method: clinical testing. Allele origin: germline.
Comment: This variant results in a copy number gain of the genomic region encompassing the full coding sequence of the SMARCE1 gene. The boundaries of this event are unknown as they extend beyond the assayed region for this gene and therefore may encompass additional genes. As the precise location of this event is unknown, it may be in tandem or it may be located elsewhere in the genome. This variant has not been reported in the literature in individuals with SMARCE1-related disease. In summary, the available evidence is currently insufficient to determine the role of this variant in disease. Therefore, it has been classified as a Variant of Uncertain Significance.

NC_000017.10:g.(?_38785027)_(38804103_?)dup

Gene: SMARCE1 (SWI/SNF related BAF chromatin remodeling complex subunit E1; minus strand). Cytogenetic location: 17q21.2.
Variant type: Duplication.
Identifiers: ClinVar variation 663421 (VCV000663421.1).